The following is an entry in ClinVar:

ClinVar aggregate classification (germline): Uncertain significance (1 of 4 stars; one submission).

Submission:

CeGaT Center for Human Genetics Tuebingen
Classification: Uncertain significance. Last evaluated: 2023-01-01. Review status: criteria provided, single submitter. Criteria: CeGaT Center For Human Genetics Tuebingen Variant Classification Criteria Version 2. Collection method: clinical testing. Allele origin: germline. Affected: yes. Observed: 1 variant allele.
Comment: DMBT1: PM2

NM_001377530.1(DMBT1):c.4934A>T (p.Asp1645Val)

Gene: DMBT1 (deleted in malignant brain tumors 1; plus strand). Cytogenetic location: 10q26.13.
Variant type: single nucleotide variant.
Coding change: c.4934A>T on transcript NM_001377530.1 (MANE Select); coding-DNA position 4934, A replaced by T.
Protein change: p.Asp1645Val; replaces aspartic acid 1645 with valine.
Molecular consequence: missense variant.
Genome position (GRCh38, 1-based): chr10:122,618,059, A>T. VCF-style: chr10-122618059-A-T. GRCh37 (hg19) VCF-style: chr10-124377575-A-T.
Other names: c.4547A>T, p.Asp1516Val (NM_001320644.2, NM_007329.3); c.2663A>T, p.Asp888Val (NM_004406.3); c.4517A>T, p.Asp1506Val (NM_017579.3); short protein forms D1506V, D1516V, D1645V, D888V.
Identifiers: ClinVar variation 2640937 (VCV002640937.24), dbSNP rs2497966877, ClinGen allele CA378585410.